The following is an entry in ClinVar:

ClinVar aggregate classification (germline): Uncertain significance (1 of 4 stars; one submission).

gnomAD v4.1: 1 of 1,612,954 alleles (0.000062%); no homozygotes.

Submission:

Labcorp Genetics (formerly Invitae), Labcorp
Classification: Uncertain significance. Last evaluated: 2022-08-23. Review status: criteria provided, single submitter. Criteria: Invitae Variant Classification Sherloc (09022015). Collection method: clinical testing. Allele origin: germline.
Comment: This sequence change replaces alanine, which is neutral and non-polar, with threonine, which is neutral and polar, at codon 1515 of the TUBGCP6 protein (p.Ala1515Thr). This variant is not present in population databases (gnomAD no frequency). This variant has not been reported in the literature in individuals affected with TUBGCP6-related conditions. Algorithms developed to predict the effect of missense changes on protein structure and function output the following: SIFT: "Tolerated"; PolyPhen-2: "Benign"; Align-GVGD: "Class C0". The threonine amino acid residue is found in multiple mammalian species, which suggests that this missense change does not adversely affect protein function. In summary, the available evidence is currently insufficient to determine the role of this variant in disease. Therefore, it has been classified as a Variant of Uncertain Significance.

NM_020461.4(TUBGCP6):c.4543G>A (p.Ala1515Thr)

Gene: TUBGCP6 (tubulin gamma complex component 6; minus strand). Cytogenetic location: 22q13.33.
Variant type: single nucleotide variant.
Coding change: c.4543G>A on transcript NM_020461.4 (MANE Select); coding-DNA position 4543, G replaced by A.
Protein change: p.Ala1515Thr; replaces alanine 1515 with threonine.
Molecular consequence: missense variant.
Genome position (GRCh38, 1-based): chr22:50,219,151, C>T on the plus strand (G>A on the coding strand, the complement: TUBGCP6 is on the minus strand). VCF-style: chr22-50219151-C-T. GRCh37 (hg19) VCF-style: chr22-50657580-C-T.
Other names: short protein forms A1515T.
Identifiers: ClinVar variation 1987320 (VCV001987320.4), dbSNP rs2519124795, ClinGen allele CA412170204.